The following is an entry in ClinVar:

NM_022124.6(CDH23):c.5419G>A (p.Val1807Met)

Gene: CDH23 (cadherin related 23; plus strand). Cytogenetic location: 10q22.1.
Variant type: single nucleotide variant.
Coding change: c.5419G>A on transcript NM_022124.6 (MANE Select); coding-DNA position 5419, G replaced by A.
Protein change: p.Val1807Met; replaces valine 1807 with methionine.
Molecular consequence: missense variant.
Genome position (GRCh38, 1-based): chr10:71,784,337, G>A. VCF-style: chr10-71784337-G-A. GRCh37 (hg19) VCF-style: chr10-73544094-G-A.
Other names: short protein forms V1807M.
Identifiers: ClinVar variation 45979 (VCV000045979.23), dbSNP rs143993990, ClinGen allele CA137487.

ClinVar aggregate classification (germline): Benign/Likely benign. Review status: criteria provided, multiple submitters, no conflicts (2 of 4 stars). 6 submissions from 6 submitters: Benign (2); Likely benign (3). 1 of the submissions does not count toward it. Last evaluated 2026-02-01.

Conditions:
CDH23-related disorder. Also called: CDH23-related condition; CDH23-related disorders.

Allele frequency attached by ClinVar (database versions not stated): 1000 Genomes Project 0.00200; 1000 Genomes Project 30x 0.00203; ESP Exome Variant Server 0.00236; gnomAD 0.00253 and 0.00265; TOPMed 0.00283.
gnomAD v4.1: 950 of 1,613,942 alleles (0.059%); highest among the groups gnomAD compares: African/African-American, 0.94%; 8 homozygotes.

Submissions (6):

CeGaT Center for Human Genetics Tuebingen
Classification: Likely benign. Last evaluated: 2026-02-01. Review status: criteria provided, single submitter. Criteria: CeGaT Center For Human Genetics Tuebingen Variant Classification Criteria Version 2. Collection method: clinical testing. Allele origin: germline. Affected: yes. Observed: 1 variant allele.
Comment: CDH23: BP4

Labcorp Genetics (formerly Invitae), Labcorp
Classification: Benign. Last evaluated: 2026-01-25. Review status: criteria provided, single submitter. Criteria: Invitae Variant Classification Sherloc (09022015). Collection method: clinical testing. Allele origin: germline.

Blueprint Genetics
Classification: Likely benign. Last evaluated: 2024-11-26. Review status: criteria provided, single submitter. Criteria: ACMG Guidelines, 2015. Collection method: clinical testing. Allele origin: germline.

GeneDx
Classification: Likely benign. Last evaluated: 2020-09-03. Review status: criteria provided, single submitter. Criteria: GeneDx Variant Classification Process June 2021. Collection method: clinical testing. Allele origin: germline. Affected: yes.
Comment: This variant is associated with the following publications: (PMID: 22899989, 17850630, 25587757, 22443853)

Laboratory for Molecular Medicine, Mass General Brigham Personalized Medicine
Classification: Benign. Last evaluated: 2016-08-31. Review status: criteria provided, single submitter. Criteria: LMM Criteria. Collection method: clinical testing. Allele origin: germline. Observed: 2 variant alleles.
Comment: Val1807Met in Exon 42 of CDH23: This variant is not expected to have clinical si gnificance because it has been identified in 0.7% (72/9790) of African chromosom es by the Exome Aggregation Consortium (ExAC; db SNP rs143993990).

PreventionGenetics, part of Exact Sciences
Classification: Benign for CDH23-related condition. Last evaluated: 2020-03-16. Review status: no assertion criteria provided. Collection method: clinical testing. Allele origin: germline. Not counted in ClinVar's aggregate classification.
Comment: This variant is classified as benign based on ACMG/AMP sequence variant interpretation guidelines (Richards et al. 2015 PMID: 25741868, with internal and published modifications).

Literature cited by the submitters: PubMed 17850630 (cited by Laboratory for Molecular Medicine, Mass General Brigham Personalized Medicine).